The following is an entry in ClinVar:

ClinVar aggregate classification (germline): Uncertain significance (1 of 4 stars; one submission).

Conditions:
Carnitine acylcarnitine translocase deficiency (CACTD). Identifiers: Orphanet 159, MedGen C0342791, MONDO:0008918, OMIM 212138.

Submission:

Labcorp Genetics (formerly Invitae), Labcorp
Classification: Uncertain significance for Carnitine acylcarnitine translocase deficiency. Last evaluated: 2023-10-16. Review status: criteria provided, single submitter. Criteria: Invitae Variant Classification Sherloc (09022015). Collection method: clinical testing. Allele origin: germline.
Comment: This sequence change affects codon 66 of the SLC25A20 mRNA. It is a 'silent' change, meaning that it does not change the encoded amino acid sequence of the SLC25A20 protein. This variant also falls at the last nucleotide of exon 2, which is part of the consensus splice site for this exon. This variant is not present in population databases (gnomAD no frequency). This variant has not been reported in the literature in individuals affected with SLC25A20-related conditions. Variants that disrupt the consensus splice site are a relatively common cause of aberrant splicing (PMID: 17576681, 9536098). Algorithms developed to predict the effect of sequence changes on RNA splicing suggest that this variant may disrupt the consensus splice site. In summary, the available evidence is currently insufficient to determine the role of this variant in disease. Therefore, it has been classified as a Variant of Uncertain Significance.

Literature cited by the submitters: PubMed 17576681; PubMed 9536098.

NM_000387.6(SLC25A20):c.198G>A (p.Glu66=)

Gene: SLC25A20 (solute carrier family 25 member 20; minus strand). Cytogenetic location: 3p21.31.
Variant type: single nucleotide variant.
Coding change: c.198G>A on transcript NM_000387.6 (MANE Select); coding-DNA position 198, G replaced by A.
Protein change: p.Glu66=; no amino-acid change (glutamic acid 66 retained).
Molecular consequence: synonymous variant.
Genome position (GRCh38, 1-based): chr3:48,891,980, C>T on the plus strand (G>A on the coding strand, the complement: SLC25A20 is on the minus strand). VCF-style: chr3-48891980-C-T. GRCh37 (hg19) VCF-style: chr3-48929413-C-T.
Identifiers: ClinVar variation 2805560 (VCV002805560.3), dbSNP rs1275508003, ClinGen allele CA433532467.